The following is an entry in ClinVar:

NM_012199.5(AGO1):c.765C>T (p.Arg255=)

Genes: AGO1 (argonaute RISC component 1; plus strand), LOC129930123 (ATAC-STARR-seq lymphoblastoid active region 740; plus strand). Cytogenetic location: 1p34.3.
Variant type: single nucleotide variant.
Coding change: c.765C>T on transcript NM_012199.5 (MANE Select); coding-DNA position 765, C replaced by T.
Protein change: p.Arg255=; no amino-acid change (arginine 255 retained).
Molecular consequence: synonymous variant.
Genome position (GRCh38, 1-based): chr1:35,894,152, C>T. VCF-style: chr1-35894152-C-T. GRCh37 (hg19) VCF-style: chr1-36359753-C-T.
Other names: c.765C>T, p.Arg255= (NM_001317122.2); c.540C>T, p.Arg180= (NM_001317123.2).
Identifiers: ClinVar variation 730844 (VCV000730844.7), dbSNP rs769226315, ClinGen allele CA763058.

ClinVar aggregate classification (germline): Likely benign. Review status: criteria provided, multiple submitters, no conflicts (2 of 4 stars). 2 submissions from 2 submitters: Likely benign (2). Last evaluated 2026-09-01.

Allele frequency attached by ClinVar (database versions not stated): gnomAD 0.00002; TOPMed 0.00007.

Submissions (2):

CeGaT Center for Human Genetics Tuebingen
Classification: Likely benign. Last evaluated: 2026-09-01. Review status: criteria provided, single submitter. Criteria: CeGaT Center For Human Genetics Tuebingen Variant Classification Criteria Version 2. Collection method: clinical testing. Allele origin: germline. Affected: yes. Observed: 2 variant alleles.
Comment: AGO1: BP4, BP7

Labcorp Genetics (formerly Invitae), Labcorp
Classification: Likely benign. Last evaluated: 2018-09-26. Review status: criteria provided, single submitter. Criteria: Invitae Variant Classification Sherloc (09022015). Collection method: clinical testing. Allele origin: germline.